The following is an entry in ClinVar:

NM_025150.5(TARS2):c.1487C>T (p.Thr496Ile)

Gene: TARS2 (threonyl-tRNA synthetase 2, mitochondrial; plus strand). Cytogenetic location: 1q21.2.
Variant type: single nucleotide variant.
Coding change: c.1487C>T on transcript NM_025150.5 (MANE Select); coding-DNA position 1487, C replaced by T.
Protein change: p.Thr496Ile; replaces threonine 496 with isoleucine.
Molecular consequence: missense variant. On other transcripts: non-coding transcript variant (2).
Genome position (GRCh38, 1-based): chr1:150,498,982, C>T. VCF-style: chr1-150498982-C-T. GRCh37 (hg19) VCF-style: chr1-150471458-C-T.
Other names: p.Thr496Ile; c.1241C>T, p.Thr414Ile (NM_001271895.2); c.1097C>T, p.Thr366Ile (NM_001271896.2); short protein forms T366I, T414I, T496I.
Identifiers: ClinVar variation 3346154 (VCV003346154.2).

ClinVar aggregate classification (germline): Uncertain significance. Review status: criteria provided, single submitter (1 of 4 stars). 2 submissions from 2 submitters: Uncertain significance (1). 1 of the submissions does not count toward it. Last evaluated 2025-05-27.

Conditions:
Combined oxidative phosphorylation defect type 21. Also called: Combined oxidative phosphorylation deficiency 21. Identifiers: Orphanet 420733, MedGen C4706316, MONDO:0014398, OMIM 615918.
TARS2-related disorder. Also called: TARS2-related condition.

Submissions (2):

Costain lab, The Hospital for Sick Children
Classification: Uncertain significance for Combined oxidative phosphorylation defect type 21. Last evaluated: 2025-05-27. Review status: criteria provided, single submitter. Criteria: ACMG Guidelines, 2015. Collection method: clinical testing. Allele origin: germline. Inheritance: Autosomal recessive inheritance. Affected: yes.
Comment: Compound heterozygous with other missense variant (p.Thr157Ile); Absent in GnomAD (PM2); in silico: 2/3 predicted damaging; ClinVar: not reported; HGMD: not reported

PreventionGenetics, part of Exact Sciences
Classification: Uncertain significance for TARS2-related condition. Last evaluated: 2024-09-04. Review status: no assertion criteria provided. Collection method: clinical testing. Allele origin: germline. Not counted in ClinVar's aggregate classification.
Comment: The TARS2 c.1487C>T variant is predicted to result in the amino acid substitution p.Thr496Ile. To our knowledge, this variant has not been reported in the literature or in a large population database, indicating this variant is rare. At this time, the clinical significance of this variant is uncertain due to the absence of conclusive functional and genetic evidence.